The following is an entry in ClinVar:

NM_007294.4(BRCA1):c.5076del (p.Asp1692fs)

Gene: BRCA1 (BRCA1 DNA repair associated; minus strand). Cytogenetic location: 17q21.31.
Variant type: Deletion.
Coding change: c.5076del on transcript NM_007294.4 (MANE Select); coding-DNA position 5076, one base deleted (T; older notation c.5076delT).
Protein change: p.Asp1692fs; shifts the reading frame from aspartic acid 1692.
Molecular consequence: frameshift variant. On other transcripts: non-coding transcript variant (1).
Genome position (GRCh38, 1-based): chr17:43,063,950, A deleted on the plus strand (T on the coding strand, the reverse complement: BRCA1 is on the minus strand). VCF-style (leftmost placement, unchanged base first): chr17-43063949-CA-C. GRCh37 (hg19) VCF-style: chr17-41215966-CA-C.
Other names: 5195delT; c.1554delT, p.Asp518Glufs (NM_001408491.1, NM_001408481.1, NM_001408482.1 and 5 more transcripts); c.1551delT, p.Asp517Glufs (NM_001408492.1, NM_001408493.1); c.1527delT, p.Asp509Glufs (NM_001408494.1); c.1521delT, p.Asp507Glufs (NM_001408495.1); c.1503delT, p.Asp501Glufs (NM_001408496.1, NM_001408497.1, NM_001408498.1 and 3 more transcripts); c.1500delT, p.Asp500Glufs (NM_001408502.1, NM_001408503.1, NM_001408504.1); c.1497delT, p.Asp499Glufs (NM_001408505.1); and 75 more; short protein forms D1645fs, D588fs, D1692fs, D1713fs.
Identifiers: ClinVar variation 266522 (VCV000266522.6), dbSNP rs886040269, ClinGen allele CA10589620.

ClinVar aggregate classification (germline): Pathogenic. Review status: reviewed by expert panel (3 of 4 stars). 2 submissions from 2 submitters: Pathogenic (1). 1 of the submissions does not count toward it. Last evaluated 2016-10-18.

Conditions:
Breast-ovarian cancer, familial, susceptibility to, 1 (BROVCA1). Also called: BRCA1 Hereditary Breast and Ovarian Cancer; OVARIAN CANCER, SUSCEPTIBILITY TO. Identifiers: Orphanet 145, MedGen C2676676, MONDO:0011450, OMIM 604370. Disease mechanism: loss of function.

Submissions (2):

Evidence-based Network for the Interpretation of Germline Mutant Alleles (ENIGMA)
Classification: Pathogenic for Breast-ovarian cancer, familial, susceptibility to, 1. Last evaluated: 2016-10-18. Review status: reviewed by expert panel. Criteria: ENIGMA BRCA1/2 Classification Criteria (2015). Collection method: curation. Allele origin: germline.
Comment: Variant allele predicted to encode a truncated non-functional protein.

Consortium of Investigators of Modifiers of BRCA1/2 (CIMBA), c/o University of Cambridge
Classification: Pathogenic for Breast-ovarian cancer, familial, susceptibility to, 1. Last evaluated: 2015-10-02. Review status: criteria provided, single submitter. Criteria: CIMBA Mutation Classification guidelines May 2016. Collection method: clinical testing. Allele origin: germline. Not counted in ClinVar's aggregate classification.